The following is an entry in ClinVar:

ClinVar aggregate classification (germline): Uncertain significance (1 of 4 stars; one submission).

Conditions:
Arrhythmogenic cardiomyopathy with wooly hair and keratoderma. Also called: PALMOPLANTAR KERATODERMA WITH LEFT VENTRICULAR CARDIOMYOPATHY AND WOOLLY HAIR; Carvajal syndrome; Dilated cardiomyopathy with woolly hair and keratoderma; Arrhythmogenic cardiomyopathy with woolly hair and keratoderma. Identifiers: Orphanet 65282, MedGen C1854063, MONDO:0011581, OMIM 605676.
Arrhythmogenic right ventricular dysplasia 8 (ARVD8). Also called: Arrhythmogenic Right Ventricular Dysplasia/Cardiomyopathy 8; ARRHYTHMOGENIC RIGHT VENTRICULAR DYSPLASIA, FAMILIAL, 8; ARRHYTHMOGENIC RIGHT VENTRICULAR CARDIOMYOPATHY 8. Identifiers: MedGen C1843896, MONDO:0011831, OMIM 607450.

Submission:

Labcorp Genetics (formerly Invitae), Labcorp
Classification: Uncertain significance for Arrhythmogenic cardiomyopathy with wooly hair and keratoderma; Arrhythmogenic right ventricular dysplasia 8. Last evaluated: 2024-09-16. Review status: criteria provided, single submitter. Criteria: Invitae Variant Classification Sherloc (09022015). Collection method: clinical testing. Allele origin: germline.
Comment: This sequence change replaces arginine, which is basic and polar, with proline, which is neutral and non-polar, at codon 866 of the DSP protein (p.Arg866Pro). This variant is not present in population databases (gnomAD no frequency). This variant has not been reported in the literature in individuals affected with DSP-related conditions. An algorithm developed to predict the effect of missense changes on protein structure and function (PolyPhen-2) suggests that this variant is likely to be disruptive. In summary, the available evidence is currently insufficient to determine the role of this variant in disease. Therefore, it has been classified as a Variant of Uncertain Significance.

NM_004415.4(DSP):c.2597G>C (p.Arg866Pro)

Gene: DSP (desmoplakin; plus strand). Cytogenetic location: 6p24.3.
Variant type: single nucleotide variant.
Coding change: c.2597G>C on transcript NM_004415.4 (MANE Select); coding-DNA position 2597, G replaced by C.
Protein change: p.Arg866Pro; replaces arginine 866 with proline.
Molecular consequence: missense variant.
Genome position (GRCh38, 1-based): chr6:7,575,455, G>C. VCF-style: chr6-7575455-G-C. GRCh37 (hg19) VCF-style: chr6-7575688-G-C.
Other names: c.2597G>C, p.Arg866Pro (NM_001008844.3, NM_001319034.2); short protein forms R866P.
Identifiers: ClinVar variation 3758040 (VCV003758040.2).